The following is an entry in ClinVar:

ClinVar aggregate classification (germline): Uncertain significance (1 of 4 stars; one submission).

gnomAD v4.1: 38 of 1,614,084 alleles (0.0024%); highest among the groups gnomAD compares: Admixed American, 0.028%; no homozygotes.

Submission:

Labcorp Genetics (formerly Invitae), Labcorp
Classification: Uncertain significance. Last evaluated: 2025-11-29. Review status: criteria provided, single submitter. Criteria: Invitae Variant Classification Sherloc (09022015). Collection method: clinical testing. Allele origin: germline.
Comment: This sequence change replaces isoleucine, which is neutral and non-polar, with valine, which is neutral and non-polar, at codon 210 of the UTP4 protein (p.Ile210Val). This variant is present in population databases (rs771509260, gnomAD 0.007%). This variant has not been reported in the literature in individuals affected with UTP4-related conditions. Invitae Evidence Modeling of protein sequence and biophysical properties (such as structural, functional, and spatial information, amino acid conservation, physicochemical variation, residue mobility, and thermodynamic stability) indicates that this missense variant is not expected to disrupt UTP4 protein function with a negative predictive value of 80%. In summary, the available evidence is currently insufficient to determine the role of this variant in disease. Therefore, it has been classified as a Variant of Uncertain Significance.

NM_032830.3(UTP4):c.628A>G (p.Ile210Val)

Gene: UTP4 (UTP4 small subunit processome component). Cytogenetic location: 16q22.1.
Variant type: single nucleotide variant.
Coding change: c.628A>G on transcript NM_032830.3 (MANE Select); coding-DNA position 628, A replaced by G.
Protein change: p.Ile210Val; replaces isoleucine 210 with valine.
Molecular consequence: missense variant.
Genome position (GRCh38, 1-based): chr16:69,143,279, A>G. VCF-style: chr16-69143279-A-G. GRCh37 (hg19) VCF-style: chr16-69177182-A-G.
Other names: c.379A>G, p.Ile127Val (NM_001318391.2); short protein forms I210V, I127V.
Identifiers: ClinVar variation 4749194 (VCV004749194.1).
Genomic context (GRCh38, chr16:69,143,279, plus strand): 5'-GGCGTGTCTAAGCGGAAGTGCATCGTGTGGGGTGTCGCCTTCTTGTCCGATGGCACTATC[A>G]TAAGTGTGGACTCTGCTGGGAAGGTGCAGTTCTGGGACTCAGCCACTGGGACGCTTGTGA-3'
Protein context (NP_116219.2, residues 200-220): GVAFLSDGTI[Ile210Val]SVDSAGKVQF